The following is an entry in ClinVar:

NM_002661.5(PLCG2):c.2663T>G (p.Phe888Cys)

Gene: PLCG2 (phospholipase C gamma 2; plus strand). Cytogenetic location: 16q23.3.
Variant type: single nucleotide variant.
Coding change: c.2663T>G on transcript NM_002661.5 (MANE Select); coding-DNA position 2663, T replaced by G.
Protein change: p.Phe888Cys; replaces phenylalanine 888 with cysteine.
Molecular consequence: missense variant.
Genome position (GRCh38, 1-based): chr16:81,931,578, T>G. VCF-style: chr16-81931578-T-G. GRCh37 (hg19) VCF-style: chr16-81965183-T-G.
Other names: c.2663T>G, p.Phe888Cys (NM_001425749.1, NM_001425750.1, NM_001425751.1); short protein forms F888C.
Identifiers: ClinVar variation 2850784 (VCV002850784.3), dbSNP rs1910505274, ClinGen allele CA396903623.

ClinVar aggregate classification (germline): Uncertain significance (1 of 4 stars; one submission).

Conditions:
Familial cold autoinflammatory syndrome 3 (FCAS3). Also called: ANTIBODY DEFICIENCY AND IMMUNE DYSREGULATION, PLCG2-ASSOCIATED; FAMILIAL ATYPICAL COLD URTICARIA. Identifiers: Orphanet 300359, MedGen C3280914, MONDO:0013766, OMIM 614468.

Allele frequency attached by ClinVar (database versions not stated): gnomAD exomes below 0.00001.
gnomAD v4.1: 2 of 1,614,010 alleles (0.00012%); highest among the groups gnomAD compares: Non-Finnish European, 0.00017%; no homozygotes.

Submission:

Labcorp Genetics (formerly Invitae), Labcorp
Classification: Uncertain significance for Familial cold autoinflammatory syndrome 3. Last evaluated: 2025-06-24. Review status: criteria provided, single submitter. Criteria: Invitae Variant Classification Sherloc (09022015). Collection method: clinical testing. Allele origin: germline.
Comment: This sequence change replaces phenylalanine, which is neutral and non-polar, with cysteine, which is neutral and slightly polar, at codon 888 of the PLCG2 protein (p.Phe888Cys). This variant is not present in population databases (gnomAD no frequency). This variant has not been reported in the literature in individuals affected with PLCG2-related conditions. ClinVar contains an entry for this variant (Variation ID: 2850784). An algorithm developed to predict the effect of missense changes on protein structure and function (PolyPhen-2) suggests that this variant is likely to be disruptive. In summary, the available evidence is currently insufficient to determine the role of this variant in disease. Therefore, it has been classified as a Variant of Uncertain Significance.